The following is an entry in ClinVar:

ClinVar aggregate classification (germline): Likely benign. Review status: criteria provided, single submitter (1 of 4 stars). 3 submissions from 3 submitters: Likely benign (1). 2 of the submissions do not count toward it. Last evaluated 2025-11-22.

Conditions:
SLC7A7-related disorder. Also called: SLC7A7-related condition.
Lysinuric protein intolerance (LPI). Identifiers: Orphanet 470, MedGen C0268647, MONDO:0009109, OMIM 222700.

Allele frequency attached by ClinVar (database versions not stated): TOPMed 0.00006; gnomAD 0.00007; ExAC 0.00008; ESP Exome Variant Server 0.00008; gnomAD exomes 0.00009.
gnomAD v4.1: 184 of 1,613,950 alleles (0.011%); highest among the groups gnomAD compares: Non-Finnish European, 0.015%; no homozygotes.

Submissions (3):

Labcorp Genetics (formerly Invitae), Labcorp
Classification: Likely benign for Lysinuric protein intolerance. Last evaluated: 2025-11-22. Review status: criteria provided, single submitter. Criteria: Invitae Variant Classification Sherloc (09022015). Collection method: clinical testing. Allele origin: germline.

PreventionGenetics, part of Exact Sciences
Classification: Likely benign for SLC7A7-related condition. Last evaluated: 2021-03-07. Review status: no assertion criteria provided. Collection method: clinical testing. Allele origin: germline. Not counted in ClinVar's aggregate classification.
Comment: This variant is classified as likely benign based on ACMG/AMP sequence variant interpretation guidelines (Richards et al. 2015 PMID: 25741868, with internal and published modifications).

Natera, Inc.
Classification: Likely benign for Lysinuric protein intolerance. Last evaluated: 2020-02-14. Review status: no assertion criteria provided. Collection method: clinical testing. Allele origin: germline. Not counted in ClinVar's aggregate classification.

NM_003982.4(SLC7A7):c.1431G>A (p.Gly477=)

Gene: SLC7A7 (solute carrier family 7 member 7; minus strand). Cytogenetic location: 14q11.2.
Variant type: single nucleotide variant.
Coding change: c.1431G>A on transcript NM_003982.4 (MANE Select); coding-DNA position 1431, G replaced by A.
Protein change: p.Gly477=; no amino-acid change (glycine 477 retained).
Molecular consequence: synonymous variant.
Genome position (GRCh38, 1-based): chr14:22,773,715, C>T on the plus strand (G>A on the coding strand, the complement: SLC7A7 is on the minus strand). VCF-style: chr14-22773715-C-T. GRCh37 (hg19) VCF-style: chr14-23242924-C-T.
Other names: c.1431G>A, p.Gly477= (NM_001126105.3, NM_001126106.4).
Identifiers: ClinVar variation 749184 (VCV000749184.16), dbSNP rs201993411, ClinGen allele CA7104376.